The following is an entry in ClinVar:

NM_019594.4(LRRC8A):c.575G>A (p.Gly192Glu)

Gene: LRRC8A (leucine rich repeat containing 8 VRAC subunit A; plus strand). Cytogenetic location: 9q34.11.
Variant type: single nucleotide variant.
Coding change: c.575G>A on transcript NM_019594.4 (MANE Select); coding-DNA position 575, G replaced by A.
Protein change: p.Gly192Glu; replaces glycine 192 with glutamic acid.
Molecular consequence: missense variant.
Genome position (GRCh38, 1-based): chr9:128,907,739, G>A. VCF-style: chr9-128907739-G-A. GRCh37 (hg19) VCF-style: chr9-131670018-G-A.
Other names: c.575G>A, p.Gly192Glu (NM_001127244.2, NM_001127245.2); short protein forms G192E.
Identifiers: ClinVar variation 1960458 (VCV001960458.5), dbSNP rs1013122468, ClinGen allele CA200414921.

ClinVar aggregate classification (germline): Uncertain significance (1 of 4 stars; one submission).

Allele frequency attached by ClinVar (database versions not stated): TOPMed 0.00001.

Submission:

Labcorp Genetics (formerly Invitae), Labcorp
Classification: Uncertain significance. Last evaluated: 2022-09-02. Review status: criteria provided, single submitter. Criteria: Invitae Variant Classification Sherloc (09022015). Collection method: clinical testing. Allele origin: germline.
Comment: In summary, the available evidence is currently insufficient to determine the role of this variant in disease. Therefore, it has been classified as a Variant of Uncertain Significance. Algorithms developed to predict the effect of missense changes on protein structure and function (SIFT, PolyPhen-2, Align-GVGD) all suggest that this variant is likely to be disruptive. This variant has not been reported in the literature in individuals affected with LRRC8A-related conditions. This variant is not present in population databases (gnomAD no frequency). This sequence change replaces glycine, which is neutral and non-polar, with glutamic acid, which is acidic and polar, at codon 192 of the LRRC8A protein (p.Gly192Glu).